The following is an entry in ClinVar:

NM_001130009.3(GEN1):c.1975C>T (p.His659Tyr)

Gene: GEN1 (GEN1 Holliday junction 5' flap endonuclease; plus strand). Cytogenetic location: 2p24.2.
Variant type: single nucleotide variant.
Coding change: c.1975C>T on transcript NM_001130009.3 (MANE Select); coding-DNA position 1975, C replaced by T.
Protein change: p.His659Tyr; replaces histidine 659 with tyrosine.
Molecular consequence: missense variant.
Genome position (GRCh38, 1-based): chr2:17,781,187, C>T. VCF-style: chr2-17781187-C-T. GRCh37 (hg19) VCF-style: chr2-17962454-C-T.
Other names: c.1975C>T, p.His659Tyr (NM_182625.5); short protein forms H659Y.
Identifiers: ClinVar variation 4263123 (VCV004263123.1).

ClinVar aggregate classification (germline): Uncertain significance (1 of 4 stars; one submission).

gnomAD v4.1: 1 of 1,613,788 alleles (0.000062%); highest among the groups gnomAD compares: Non-Finnish European, 0.000085%; no homozygotes.

Submission:

Ambry Genetics
Classification: Uncertain significance. Last evaluated: 2025-09-04. Review status: criteria provided, single submitter. Criteria: Ambry Variant Classification Scheme 2023. Collection method: clinical testing. Allele origin: germline.
Comment: The p.H659Y variant (also known as c.1975C>T), located in coding exon 13 of the GEN1 gene, results from a C to T substitution at nucleotide position 1975. The histidine at codon 659 is replaced by tyrosine, an amino acid with similar properties. This amino acid position is conserved. In addition, this alteration is predicted to be tolerated by in silico analysis. Based on the available evidence, the clinical significance of this variant remains unclear.